The following is an entry in ClinVar:

NM_030650.3(LNPK):c.106C>A (p.Gln36Lys)

Gene: LNPK (lunapark, ER junction formation factor; minus strand). Cytogenetic location: 2q31.1.
Variant type: single nucleotide variant.
Coding change: c.106C>A on transcript NM_030650.3 (MANE Select); coding-DNA position 106, C replaced by A.
Protein change: p.Gln36Lys; replaces glutamine 36 with lysine.
Molecular consequence: missense variant. On other transcripts: non-coding transcript variant (1), intron variant (2).
Genome position (GRCh38, 1-based): chr2:175,992,382, G>T on the plus strand (C>A on the coding strand, the complement: LNPK is on the minus strand). VCF-style: chr2-175992382-G-T. GRCh37 (hg19) VCF-style: chr2-176857110-G-T.
Other names: c.304C>A, p.Gln102Lys (NM_001305008.1); c.106C>A, p.Gln36Lys (NM_001305009.1); c.-113+3176C>A (NM_001305011.2); c.221-109C>A (NM_001305010.1); short protein forms Q102K, Q36K.
Identifiers: ClinVar variation 3904935 (VCV003904935.10).

ClinVar aggregate classification (germline): Likely benign (1 of 4 stars; one submission).

gnomAD v4.1: 1,695 of 1,508,028 alleles (0.11%); highest among the groups gnomAD compares: Non-Finnish European, 0.14%; 2 homozygotes.

Submission:

CeGaT Center for Human Genetics Tuebingen
Classification: Likely benign. Last evaluated: 2025-06-01. Review status: criteria provided, single submitter. Criteria: CeGaT Center For Human Genetics Tuebingen Variant Classification Criteria Version 2. Collection method: clinical testing. Allele origin: germline. Affected: yes. Observed: 1 variant allele.
Comment: LNPK: BS2